The following is an entry in ClinVar:

ClinVar aggregate classification (germline): Pathogenic/Likely pathogenic. Review status: criteria provided, multiple submitters, no conflicts (2 of 4 stars). 6 submissions from 6 submitters: Pathogenic (3); Likely pathogenic (3). Last evaluated 2024-02-23.

Conditions:
Glycogen storage disease IXa1. Also called: GLYCOGEN STORAGE DISEASE VIII; GSD VIII; Glycogen storage disease 8; LIVER GLYCOGENOSIS, X-LINKED, TYPE I. Identifiers: Orphanet 264580, MedGen C3694531, MONDO:0010598, OMIM 306000.

Submissions (6):

Labcorp Genetics (formerly Invitae), Labcorp
Classification: Pathogenic for Glycogen storage disease IXa1. Last evaluated: 2024-02-23. Review status: criteria provided, single submitter. Criteria: Invitae Variant Classification Sherloc (09022015). Collection method: clinical testing. Allele origin: germline.
Comment: This sequence change replaces arginine, which is basic and polar, with tryptophan, which is neutral and slightly polar, at codon 916 of the PHKA2 protein (p.Arg916Trp). This variant is not present in population databases (gnomAD no frequency). This missense change has been observed in individuals with glycogen storage disease IX (PMID: 17689125, 21646031, 28627441). ClinVar contains an entry for this variant (Variation ID: 593082). Advanced modeling of protein sequence and biophysical properties (such as structural, functional, and spatial information, amino acid conservation, physicochemical variation, residue mobility, and thermodynamic stability) performed at Invitae indicates that this missense variant is expected to disrupt PHKA2 protein function with a positive predictive value of 80%. For these reasons, this variant has been classified as Pathogenic.

Centre for Inherited Metabolic Diseases, Karolinska University Hospital
Classification: Likely pathogenic for Glycogen storage disease IXa1. Last evaluated: 2022-10-07. Review status: criteria provided, single submitter. Criteria: ACMG Guidelines, 2015. Collection method: clinical testing. Allele origin: germline. Inheritance: X-linked recessive inheritance. Affected: yes. Observed: 1 hemizygote.

Equipe Genetique des Anomalies du Developpement, Université de Bourgogne
Classification: Likely pathogenic for Glycogen storage disease IXa1. Last evaluated: 2019-08-12. Review status: criteria provided, single submitter. Criteria: ACMG Guidelines, 2015. Collection method: clinical testing. Allele origin: maternal. Affected: yes.

Eurofins Ntd Llc (ga)
Classification: Pathogenic. Last evaluated: 2017-07-12. Review status: criteria provided, single submitter. Criteria: EGL Classification Definitions 2015. Collection method: clinical testing. Allele origin: germline. Observed: 1 variant allele, 1 heterozygote.

Juno Genomics, Hangzhou Juno Genomics, Inc
Classification: Likely pathogenic for Glycogen storage disease IXa1. Review status: criteria provided, single submitter. Criteria: ACMG Guidelines, 2015. Collection method: clinical testing. Allele origin: germline. Affected: yes.
Comment: Absent from controls (or at extremely low frequency if recessive) in Genome Aggregation Database, Exome Sequencing Project, 1000 Genomes Project, or Exome Aggregation Consortium.;Multiple lines of computational evidence support a deleterious effect on the gene or gene product (conservation, evolutionary, splicing impact, etc).;The prevalence of the variant in affected individuals is significantly increased compared to the prevalence in controls.;Patient's phenotype or family history is highly specific for a disease with a single genetic etiology.

Kasturba Medical College, Manipal, Kasturba Medical College, Manipal, Manipal Academy of Higher Education, Manipal, India
Classification: Pathogenic for Glycogen storage disease IXa1. Review status: criteria provided, single submitter. Criteria: ACMG Guidelines, 2015. Collection method: clinical testing. Allele origin: maternal. Inheritance: X-linked recessive inheritance. Affected: yes. Observed: 1 hemizygote.
Comment: In-silico prediction tools are consistent in predicting the variant to be damaging to PHKA2 protein function. ACMG criteria: PM3, PM2, PP3, PP5

Literature cited by the submitters: PubMed 17689125 (cited by Labcorp Genetics (formerly Invitae), Labcorp); PubMed 21646031 (cited by Labcorp Genetics (formerly Invitae), Labcorp); PubMed 28627441 (cited by Labcorp Genetics (formerly Invitae), Labcorp).

NM_000292.3(PHKA2):c.2746C>T (p.Arg916Trp)

Gene: PHKA2 (phosphorylase kinase regulatory subunit alpha 2; minus strand). Cytogenetic location: Xp22.13.
Variant type: single nucleotide variant.
Coding change: c.2746C>T on transcript NM_000292.3 (MANE Select); coding-DNA position 2746, C replaced by T.
Protein change: p.Arg916Trp; replaces arginine 916 with tryptophan.
Molecular consequence: missense variant.
Genome position (GRCh38, 1-based): chrX:18,906,555, G>A on the plus strand (C>T on the coding strand, the complement: PHKA2 is on the minus strand). VCF-style: chrX-18906555-G-A. GRCh37 (hg19) VCF-style: chrX-18924673-G-A.
Other names: short protein forms R916W.
Identifiers: ClinVar variation 593082 (VCV000593082.22), dbSNP rs1569297427, ClinGen allele CA412382371.
Genomic context (GRCh38, chrX:18,906,555, plus strand): 5'-CTGAGCAGTTCAGGCTCCGTGCCAGCTCCGTGGCCATCACCTGAATGATCAGTCCAATCC[G>A]GAGTCTCAGCATCTCCACAAAGAGGCTGGGCTGCGCCCTGACATACATGGCCAGGTAAAC-3'
Protein context (NP_000283.1, residues 906-926): PSLFVEMLRL[Arg916Trp]IGLIIQVMAT